The following is an entry in ClinVar:

ClinVar aggregate classification (germline): Likely benign (1 of 4 stars; one submission).

Submission:

CeGaT Center for Human Genetics Tuebingen
Classification: Likely benign. Last evaluated: 2025-09-01. Review status: criteria provided, single submitter. Criteria: CeGaT Center For Human Genetics Tuebingen Variant Classification Criteria Version 2. Collection method: clinical testing. Allele origin: germline. Affected: yes. Observed: 1 variant allele.
Comment: PLCG2: BP4

NM_002661.5(PLCG2):c.388C>T (p.His130Tyr)

Gene: PLCG2 (phospholipase C gamma 2; plus strand). Cytogenetic location: 16q23.3.
Variant type: single nucleotide variant.
Coding change: c.388C>T on transcript NM_002661.5 (MANE Select); coding-DNA position 388, C replaced by T.
Protein change: p.His130Tyr; replaces histidine 130 with tyrosine.
Molecular consequence: missense variant.
Genome position (GRCh38, 1-based): chr16:81,858,313, C>T. VCF-style: chr16-81858313-C-T. GRCh37 (hg19) VCF-style: chr16-81891918-C-T.
Other names: c.388C>T, p.His130Tyr (NM_001425749.1, NM_001425750.1, NM_001425751.1); short protein forms H130Y.
Identifiers: ClinVar variation 4281489 (VCV004281489.7).
Genomic context (GRCh38, chr16:81,858,313, plus strand): 5'-TCCACTCCAGCTGACTCTAAAGAGGATGCAGTTAACTGGCTCTCTGGCTTGAAAATCTTA[C>T]ACCAGGAAGCGATGAATGCGTCCACGCCCACCATTATCGAGAGGTAGTTGGCTTTTGCCT-3'
Protein context (NP_002652.2, residues 120-140): VNWLSGLKIL[His130Tyr]QEAMNASTPT